The following is an entry in ClinVar:

ClinVar aggregate classification (germline): Benign/Likely benign. Review status: criteria provided, multiple submitters, no conflicts (2 of 4 stars). 2 submissions from 2 submitters: Benign (1); Likely benign (1). Last evaluated 2026-08-19.

Conditions:
DICER1-related tumor predisposition. Also called: DICER1-related pleuropulmonary blastoma cancer predisposition syndrome; DICER1 syndrome. Identifiers: Orphanet 284343, MedGen C3839822, MONDO:0100216.
Hereditary cancer-predisposing syndrome. Also called: Hereditary neoplastic syndrome; Neoplastic Syndromes, Hereditary; Tumor predisposition; Hereditary Cancer Syndrome. Identifiers: Orphanet 140162, MedGen C0027672, MeSH D009386, MONDO:0015356.

Allele frequency attached by ClinVar (database versions not stated): gnomAD exomes below 0.00001.
gnomAD v4.1: 1 of 1,567,714 alleles (0.000064%); highest among the groups gnomAD compares: African/African-American, 0.0014%; no homozygotes.

Submissions (2):

Myriad Genetics, Inc.
Classification: Benign for DICER1-related tumor predisposition. Last evaluated: 2026-08-19. Review status: criteria provided, single submitter. Criteria: Myriad Autosomal Dominant, Autosomal Recessive and X-Linked Classification Criteria (2023). Collection method: clinical testing. Allele origin: unknown.
Comment: This variant is considered benign. This variant is a silent/synonymous amino acid change and it is not expected to impact splicing.

Ambry Genetics
Classification: Likely benign for Hereditary cancer-predisposing syndrome. Last evaluated: 2021-12-31. Review status: criteria provided, single submitter. Criteria: Ambry Variant Classification Scheme 2023. Collection method: clinical testing. Allele origin: germline.

NM_177438.3(DICER1):c.849T>C (p.Asp283=)

Gene: DICER1 (dicer 1, ribonuclease III; minus strand). Cytogenetic location: 14q32.13.
Variant type: single nucleotide variant.
Coding change: c.849T>C on transcript NM_177438.3 (MANE Select); coding-DNA position 849, T replaced by C.
Protein change: p.Asp283=; no amino-acid change (aspartic acid 283 retained).
Molecular consequence: synonymous variant. On other transcripts: 5 prime UTR variant (1), non-coding transcript variant (6).
Genome position (GRCh38, 1-based): chr14:95,126,634, A>G on the plus strand (T>C on the coding strand, the complement: DICER1 is on the minus strand). VCF-style: chr14-95126634-A-G. GRCh37 (hg19) VCF-style: chr14-95592971-A-G.
Other names: c.849T>C, p.Asp283= (NM_001195573.1, NM_001271282.3, NM_001291628.2 and 15 more transcripts); c.567T>C, p.Asp189= (NM_001395686.1); c.444T>C, p.Asp148= (NM_001395687.1, NM_001395688.1, NM_001395689.1 and 3 more transcripts); c.282T>C, p.Asp94= (NM_001395691.1); c.-720T>C (NM_001395697.1).
Identifiers: ClinVar variation 1763611 (VCV001763611.3), dbSNP rs2543229032, ClinGen allele CA487633542.